The following is an entry in ClinVar:

NM_001276379.2(LZTFL1):c.90C>A (p.Ser30Arg)

Gene: LZTFL1 (leucine zipper transcription factor like 1; minus strand). Cytogenetic location: 3p21.31.
Variant type: single nucleotide variant.
Coding change: c.90C>A on transcript NM_001276379.2; coding-DNA position 90, C replaced by A.
Protein change: p.Ser30Arg; replaces serine 30 with arginine.
Molecular consequence: missense variant. On other transcripts: 5 prime UTR variant (4), non-coding transcript variant (1), intron variant (2).
Genome position (GRCh38, 1-based): chr3:45,855,012, G>T on the plus strand (C>A on the coding strand, the complement: LZTFL1 is on the minus strand). VCF-style: chr3-45855012-G-T. GRCh37 (hg19) VCF-style: chr3-45896504-G-T.
Other names: c.-75C>A (NM_001276378.2, NM_001405923.1, NM_001405926.1 and 1 more transcripts); c.90C>A, p.Ser30Arg (NM_001405921.1); c.28-16961C>A (NM_001405925.1, NM_001405920.1); short protein forms S30R.
Identifiers: ClinVar variation 3355182 (VCV003355182.1).
Genomic context (GRCh38, chr3:45,855,012, plus strand): 5'-AATTATAATATGTCAGATGCGCTTGTCAACTTACAGAGCTTTCTCCTGGAACTTAGCCCA[G>T]CTTCTTGGAAAAGTCACCAAAGGGTGGGTAGGGTACAACTTGATGGATTTTCTCTGCCTT-3'

ClinVar aggregate classification (germline): Uncertain significance (0 of 4 stars; one submission).

Conditions:
LZTFL1-related disorder. Also called: LZTFL1-related condition.

gnomAD v4.1: 2 of 1,535,022 alleles (0.00013%); highest among the groups gnomAD compares: African/African-American, 0.0027%; no homozygotes.

Submission:

PreventionGenetics, part of Exact Sciences
Classification: Uncertain significance for LZTFL1-related condition. Last evaluated: 2024-07-23. Review status: no assertion criteria provided. Collection method: clinical testing. Allele origin: germline.
Comment: The LZTFL1 c.90C>A variant is predicted to result in the amino acid substitution p.Ser30Arg. To our knowledge, this variant has not been reported in the literature or in a large population database, indicating this variant is rare. At this time, the clinical significance of this variant is uncertain due to the absence of conclusive functional and genetic evidence.